The following is an entry in ClinVar:

NM_002768.5(CHMP1A):c.28-6G>A

Gene: CHMP1A (charged multivesicular body protein 1A; minus strand). Cytogenetic location: 16q24.3.
Variant type: single nucleotide variant.
Coding change: c.28-6G>A on transcript NM_002768.5 (MANE Select); 6 bases into the intron before coding-DNA position 28, G replaced by A.
Molecular consequence: intron variant.
Genome position (GRCh38, 1-based): chr16:89,651,652, C>T on the plus strand (G>A on the coding strand, the complement: CHMP1A is on the minus strand). VCF-style: chr16-89651652-C-T. GRCh37 (hg19) VCF-style: chr16-89718060-C-T.
Other names: c.8-6G>A (NM_001083314.3, NM_001083314.4).
Identifiers: ClinVar variation 1595723 (VCV001595723.10), dbSNP rs753406733, ClinGen allele CA8247192.

ClinVar aggregate classification (germline): Likely benign. Review status: criteria provided, single submitter (1 of 4 stars). 2 submissions from 2 submitters: Likely benign (1). 1 of the submissions does not count toward it. Last evaluated 2022-07-05.

Conditions:
CHMP1A-related disorder. Also called: CHMP1A-related condition.

Allele frequency attached by ClinVar (database versions not stated): gnomAD 0.00001 and 0.00002; TOPMed 0.00002.
gnomAD v4.1: 20 of 1,613,148 alleles (0.0012%); highest among the groups gnomAD compares: Admixed American, 0.012%; no homozygotes.

Submissions (2):

Labcorp Genetics (formerly Invitae), Labcorp
Classification: Likely benign. Last evaluated: 2022-07-05. Review status: criteria provided, single submitter. Criteria: Invitae Variant Classification Sherloc (09022015). Collection method: clinical testing. Allele origin: germline.

PreventionGenetics, part of Exact Sciences
Classification: Likely benign for CHMP1A-related condition. Last evaluated: 2021-06-26. Review status: no assertion criteria provided. Collection method: clinical testing. Allele origin: germline. Not counted in ClinVar's aggregate classification.
Comment: This variant is classified as likely benign based on ACMG/AMP sequence variant interpretation guidelines (Richards et al. 2015 PMID: 25741868, with internal and published modifications).